The following is an entry in ClinVar:

NM_002474.3(MYH11):c.868G>C (p.Gly290Arg)

Gene: MYH11 (myosin heavy chain 11; minus strand). Cytogenetic location: 16p13.11.
Variant type: single nucleotide variant.
Coding change: c.868G>C on transcript NM_002474.3 (MANE Select); coding-DNA position 868, G replaced by C.
Protein change: p.Gly290Arg; replaces glycine 290 with arginine.
Molecular consequence: missense variant.
Genome position (GRCh38, 1-based): chr16:15,776,099, C>G on the plus strand (G>C on the coding strand, the complement: MYH11 is on the minus strand). VCF-style: chr16-15776099-C-G. GRCh37 (hg19) VCF-style: chr16-15869956-C-G.
Other names: p.G290R:GGA>CGA; c.889G>C, p.Gly297Arg (NM_001040113.2, NM_001040114.2); c.868G>C, p.Gly290Arg (NM_022844.3); short protein forms G290R, G297R.
Identifiers: ClinVar variation 201102 (VCV000201102.2), dbSNP rs794728672, ClinGen allele CA306647.

ClinVar aggregate classification (germline): Likely pathogenic (1 of 4 stars; one submission).

Submission:

GeneDx
Classification: Likely pathogenic. Last evaluated: 2012-12-12. Review status: criteria provided, single submitter. Criteria: GeneDx Variant Classification (06012015). Collection method: clinical testing. Allele origin: germline. Affected: yes.
Comment: p.Gly290Arg (GGA>CGA): c.868 G>C in exon 8 of the MYH11 gene (NM_002474.2). The Gly290Arg variant in the MYH11 gene has not been reported as a disease-causing mutation or as a benign polymorphism to our knowledge. Gly290Arg results in a non-conservative amino acid substitution of a non-polar Glycine residue with a positively charged Arginine residue at a position that is conserved across species. In silico analysis predicts Gly290Arg is probably damaging to the protein structure/function. The NHLBI ESP Exome Variant Server reports Gly290Arg was not observed in approximately 6,500 samples from individuals of European and African American backgrounds, indicating it is not a common benign variant in these populations. However, no mutations affecting nearby residues have been reported in association with TAAD or related disorders, indicating this region of the protein may be tolerant of change. With the clinical and molecular information available at this time, we cannot definitively determine if Gly290Arg is a disease-causing mutation or a rare benign variant. The variant is found in TAAD panel(s).